The following is an entry in ClinVar:

ClinVar aggregate classification (germline): Uncertain significance (1 of 4 stars; one submission).

Submission:

GeneDx
Classification: Uncertain significance. Last evaluated: 2023-06-27. Review status: criteria provided, single submitter. Criteria: GeneDx Variant Classification Process June 2021. Collection method: clinical testing. Allele origin: germline. Affected: yes.
Comment: Not observed at significant frequency in large population cohorts (gnomAD); In silico analysis supports that this missense variant has a deleterious effect on protein structure/function; Has not been previously published as pathogenic or benign to our knowledge

NM_001005373.4(LRSAM1):c.1313A>C (p.Asp438Ala)

Gene: LRSAM1 (leucine rich repeat and sterile alpha motif containing 1; plus strand). Cytogenetic location: 9q33.3.
Variant type: single nucleotide variant.
Coding change: c.1313A>C on transcript NM_001005373.4 (MANE Select); coding-DNA position 1313, A replaced by C.
Protein change: p.Asp438Ala; replaces aspartic acid 438 with alanine.
Molecular consequence: missense variant. On other transcripts: non-coding transcript variant (2).
Genome position (GRCh38, 1-based): chr9:127,487,729, A>C. VCF-style: chr9-127487729-A-C. GRCh37 (hg19) VCF-style: chr9-130250008-A-C.
Other names: c.1313A>C, p.Asp438Ala (NM_001005374.4, NM_001190723.3, NM_001384142.1 and 2 more transcripts); c.524A>C, p.Asp175Ala (NM_001384144.1); short protein forms D175A, D438A.
Identifiers: ClinVar variation 3360504 (VCV003360504.1).